The following is an entry in ClinVar:

ClinVar aggregate classification (germline): Uncertain significance. Review status: criteria provided, multiple submitters, no conflicts (2 of 4 stars). 2 submissions from 2 submitters: Uncertain significance (2). Last evaluated 2025-06-09.

Conditions:
Emery-Dreifuss muscular dystrophy (EDMD). Also called: Scapuloperoneal syndrome, X-linked (formerly); Humeroperoneal neuromuscular disease, (formerly). Identifiers: Orphanet 261, MedGen C0410189, MONDO:0016830.

Allele frequency attached by ClinVar (database versions not stated): ExAC 0.00002.
gnomAD v4.1: 8 of 1,612,732 alleles (0.0005%); highest among the groups gnomAD compares: African/African-American, 0.004%; no homozygotes.

Submissions (2):

Labcorp Genetics (formerly Invitae), Labcorp
Classification: Uncertain significance for Emery-Dreifuss muscular dystrophy. Last evaluated: 2025-06-09. Review status: criteria provided, single submitter. Criteria: Invitae Variant Classification Sherloc (09022015). Collection method: clinical testing. Allele origin: germline.
Comment: This sequence change replaces arginine, which is basic and polar, with glycine, which is neutral and non-polar, at codon 467 of the SUN2 protein (p.Arg467Gly). This variant is present in population databases (rs766680217, gnomAD 0.004%). This variant has not been reported in the literature in individuals affected with SUN2-related conditions. ClinVar contains an entry for this variant (Variation ID: 2215072). An algorithm developed to predict the effect of missense changes on protein structure and function outputs the following: PolyPhen-2: "Benign". The glycine amino acid residue is found in multiple mammalian species, which suggests that this missense change does not adversely affect protein function. In summary, the available evidence is currently insufficient to determine the role of this variant in disease. Therefore, it has been classified as a Variant of Uncertain Significance.

Ambry Genetics
Classification: Uncertain significance. Last evaluated: 2022-12-06. Review status: criteria provided, single submitter. Criteria: Ambry Variant Classification Scheme 2023. Collection method: clinical testing. Allele origin: germline.

NM_015374.3(SUN2):c.1399C>G (p.Arg467Gly)

Genes: GTPBP1 (GTP binding protein 1; plus strand), SUN2 (Sad1 and UNC84 domain containing 2; minus strand). Cytogenetic location: 22q13.1.
Variant type: single nucleotide variant.
Coding change: c.1399C>G on transcript NM_015374.3 (MANE Select); coding-DNA position 1399, C replaced by G.
Protein change: p.Arg467Gly; replaces arginine 467 with glycine.
Molecular consequence: missense variant.
Genome position (GRCh38, 1-based): chr22:38,739,901, G>C on the plus strand (C>G on the coding strand, the complement: SUN2 is on the minus strand). VCF-style: chr22-38739901-G-C. GRCh37 (hg19) VCF-style: chr22-39135906-G-C.
Other names: c.1462C>G, p.Arg488Gly (NM_001199579.2, NM_001394428.1); c.1399C>G, p.Arg467Gly (NM_001199580.2, NM_001394431.1, NM_001394432.1 and 5 more transcripts); c.1492C>G, p.Arg498Gly (NM_001394427.1); c.1444C>G, p.Arg482Gly (NM_001394429.1, NM_001394430.1); c.1309C>G, p.Arg437Gly (NM_001394438.1); c.1261C>G, p.Arg421Gly (NM_001394439.1, NM_001394440.1, NM_001394441.1); c.1000C>G, p.Arg334Gly (NM_001394442.1); c.907C>G, p.Arg303Gly (NM_001394443.1); and 1 more; short protein forms R303G, R421G, R437G, R498G, R334G, R488G, R275G, R467G.
Identifiers: ClinVar variation 2215072 (VCV002215072.5), dbSNP rs766680217, ClinGen allele CA10235560.